The following is an entry in ClinVar:

ClinVar aggregate classification (germline): Uncertain significance. Review status: criteria provided, multiple submitters, no conflicts (2 of 4 stars). 3 submissions from 3 submitters: Uncertain significance (2). 1 of the submissions does not count toward it. Last evaluated 2025-07-11.

Conditions:
SAMD9-related disorder. Also called: SAMD9-related condition.
Inborn genetic diseases. Identifiers: MedGen C0950123, MeSH D030342.

Submissions (3):

Ambry Genetics
Classification: Uncertain significance for Inborn genetic diseases. Last evaluated: 2025-07-11. Review status: criteria provided, single submitter. Criteria: Ambry Variant Classification Scheme 2023. Collection method: clinical testing. Allele origin: germline.
Comment: The p.G1048A variant (also known as c.3143G>C), located in coding exon 1 of the SAMD9 gene, results from a G to C substitution at nucleotide position 3143. The glycine at codon 1048 is replaced by alanine, an amino acid with similar properties. This amino acid position is conserved. In addition, this alteration is predicted to be tolerated by in silico analysis. Based on the available evidence, the clinical significance of this variant remains unclear.

Labcorp Genetics (formerly Invitae), Labcorp
Classification: Uncertain significance. Last evaluated: 2021-08-27. Review status: criteria provided, single submitter. Criteria: Invitae Variant Classification Sherloc (09022015). Collection method: clinical testing. Allele origin: germline.
Comment: This sequence change replaces glycine with alanine at codon 1048 of the SAMD9 protein (p.Gly1048Ala). The glycine residue is weakly conserved and there is a small physicochemical difference between glycine and alanine. This variant is not present in population databases (ExAC no frequency). This variant has not been reported in the literature in individuals affected with SAMD9-related conditions. Algorithms developed to predict the effect of missense changes on protein structure and function (SIFT, PolyPhen-2, Align-GVGD) all suggest that this variant is likely to be tolerated. In summary, the available evidence is currently insufficient to determine the role of this variant in disease. Therefore, it has been classified as a Variant of Uncertain Significance.

PreventionGenetics, part of Exact Sciences
Classification: Uncertain significance for SAMD9-related condition. Last evaluated: 2024-07-02. Review status: no assertion criteria provided. Collection method: clinical testing. Allele origin: germline. Not counted in ClinVar's aggregate classification.
Comment: The SAMD9 c.3143G>C variant is predicted to result in the amino acid substitution p.Gly1048Ala. To our knowledge, this variant has not been reported in the literature or in a large population database, indicating this variant is rare. At this time, the clinical significance of this variant is uncertain due to the absence of conclusive functional and genetic evidence.

NM_017654.4(SAMD9):c.3143G>C (p.Gly1048Ala)

Gene: SAMD9 (sterile alpha motif domain containing 9; minus strand). Cytogenetic location: 7q21.2.
Variant type: single nucleotide variant.
Coding change: c.3143G>C on transcript NM_017654.4 (MANE Select); coding-DNA position 3143, G replaced by C.
Protein change: p.Gly1048Ala; replaces glycine 1048 with alanine.
Molecular consequence: missense variant.
Genome position (GRCh38, 1-based): chr7:93,102,955, C>G on the plus strand (G>C on the coding strand, the complement: SAMD9 is on the minus strand). VCF-style: chr7-93102955-C-G. GRCh37 (hg19) VCF-style: chr7-92732268-C-G.
Other names: c.3143G>C (NM_017654.3); c.3143G>C, p.Gly1048Ala (NM_001193307.2); short protein forms G1048A.
Identifiers: ClinVar variation 1360052 (VCV001360052.7), dbSNP rs2116415769, ClinGen allele CA368188706.